The following is an entry in ClinVar:

NM_003803.4(MYOM1):c.2116A>C (p.Lys706Gln)

Gene: MYOM1 (myomesin 1; minus strand). Cytogenetic location: 18p11.31.
Variant type: single nucleotide variant.
Coding change: c.2116A>C on transcript NM_003803.4 (MANE Select); coding-DNA position 2116, A replaced by C.
Protein change: p.Lys706Gln; replaces lysine 706 with glutamine.
Molecular consequence: missense variant.
Genome position (GRCh38, 1-based): chr18:3,135,640, T>G on the plus strand (A>C on the coding strand, the complement: MYOM1 is on the minus strand). VCF-style: chr18-3135640-T-G. GRCh37 (hg19) VCF-style: chr18-3135638-T-G.
Other names: c.2116A>C, p.Lys706Gln (NM_019856.2); short protein forms K706Q.
Identifiers: ClinVar variation 4741847 (VCV004741847.1).

ClinVar aggregate classification (germline): Uncertain significance (1 of 4 stars; one submission).

Conditions:
Hypertrophic cardiomyopathy. Also called: HYPERTROPHIC MYOCARDIOPATHY. Identifiers: Orphanet 217569, MedGen C0007194, MeSH D002312, MONDO:0005045, HP:0001639.

Submission:

Labcorp Genetics (formerly Invitae), Labcorp
Classification: Uncertain significance for Hypertrophic cardiomyopathy. Last evaluated: 2025-09-16. Review status: criteria provided, single submitter. Criteria: Invitae Variant Classification Sherloc (09022015). Collection method: clinical testing. Allele origin: germline.
Comment: This sequence change replaces lysine, which is basic and polar, with glutamine, which is neutral and polar, at codon 706 of the MYOM1 protein (p.Lys706Gln). This variant is not present in population databases (gnomAD no frequency). This variant has not been reported in the literature in individuals affected with MYOM1-related conditions. Invitae Evidence Modeling of protein sequence and biophysical properties (such as structural, functional, and spatial information, amino acid conservation, physicochemical variation, residue mobility, and thermodynamic stability) indicates that this missense variant is not expected to disrupt MYOM1 protein function with a negative predictive value of 80%. In summary, the available evidence is currently insufficient to determine the role of this variant in disease. Therefore, it has been classified as a Variant of Uncertain Significance.